The following is an entry in ClinVar:

NM_198578.4(LRRK2):c.1181A>T (p.His394Leu)

Gene: LRRK2 (leucine rich repeat kinase 2; plus strand). Cytogenetic location: 12q12.
Variant type: single nucleotide variant.
Coding change: c.1181A>T on transcript NM_198578.4 (MANE Select); coding-DNA position 1181, A replaced by T.
Protein change: p.His394Leu; replaces histidine 394 with leucine.
Molecular consequence: missense variant.
Genome position (GRCh38, 1-based): chr12:40,251,544, A>T. VCF-style: chr12-40251544-A-T. GRCh37 (hg19) VCF-style: chr12-40645346-A-T.
Other names: short protein forms H394L.
Identifiers: ClinVar variation 2030183 (VCV002030183.4), dbSNP rs1316655510, ClinGen allele CA384408318.

ClinVar aggregate classification (germline): Uncertain significance (1 of 4 stars; one submission).

Conditions:
Autosomal dominant Parkinson disease 8. Also called: Parkinson disease 8, susceptibility to; LRRK2-Related Parkinson Disease; Parkinson disease 8. Identifiers: Orphanet 411602, MedGen C1846862, MONDO:0011764, OMIM 607060.

Allele frequency attached by ClinVar (database versions not stated): TOPMed below 0.00001.
gnomAD v4.1: 9 of 1,608,272 alleles (0.00056%); highest among the groups gnomAD compares: Non-Finnish European, 0.00077%; no homozygotes.

Submission:

Labcorp Genetics (formerly Invitae), Labcorp
Classification: Uncertain significance for Autosomal dominant Parkinson disease 8. Last evaluated: 2025-08-11. Review status: criteria provided, single submitter. Criteria: Invitae Variant Classification Sherloc (09022015). Collection method: clinical testing. Allele origin: germline.
Comment: This sequence change replaces histidine, which is basic and polar, with leucine, which is neutral and non-polar, at codon 394 of the LRRK2 protein (p.His394Leu). This variant is present in population databases (no rsID available, gnomAD 0.0008%). This variant has not been reported in the literature in individuals affected with LRRK2-related conditions. ClinVar contains an entry for this variant (Variation ID: 2030183). An algorithm developed to predict the effect of missense changes on protein structure and function (PolyPhen-2) suggests that this variant is likely to be tolerated. In summary, the available evidence is currently insufficient to determine the role of this variant in disease. Therefore, it has been classified as a Variant of Uncertain Significance.